The following is an entry in ClinVar:

NM_025179.4(PLXNA2):c.4661-7C>T

Gene: PLXNA2 (plexin A2; minus strand). Cytogenetic location: 1q32.2.
Variant type: single nucleotide variant.
Coding change: c.4661-7C>T on transcript NM_025179.4 (MANE Select); 7 bases into the intron before coding-DNA position 4661, C replaced by T.
Molecular consequence: intron variant.
Genome position (GRCh38, 1-based): chr1:208,038,481, G>A on the plus strand (C>T on the coding strand, the complement: PLXNA2 is on the minus strand). VCF-style: chr1-208038481-G-A. GRCh37 (hg19) VCF-style: chr1-208211826-G-A.
Other names: c.4661-7C>T (NM_025179.3).
Identifiers: ClinVar variation 2786481 (VCV002786481.4), dbSNP rs776728583, ClinGen allele CA1372795.

ClinVar aggregate classification (germline): Likely benign. Review status: criteria provided, single submitter (1 of 4 stars). 2 submissions from 2 submitters: Likely benign (1). 1 of the submissions does not count toward it. Last evaluated 2023-07-07.

Conditions:
PLXNA2-related disorder. Also called: PLXNA2-related condition.

Allele frequency attached by ClinVar (database versions not stated): gnomAD exomes below 0.00001; ExAC 0.00002; gnomAD 0.00002; TOPMed 0.00002.
gnomAD v4.1: 4 of 1,608,268 alleles (0.00025%); highest among the groups gnomAD compares: African/African-American, 0.0053%; no homozygotes.

Submissions (2):

Labcorp Genetics (formerly Invitae), Labcorp
Classification: Likely benign. Last evaluated: 2023-07-07. Review status: criteria provided, single submitter. Criteria: Invitae Variant Classification Sherloc (09022015). Collection method: clinical testing. Allele origin: germline.

PreventionGenetics, part of Exact Sciences
Classification: Likely benign for PLXNA2-related condition. Last evaluated: 2022-12-30. Review status: no assertion criteria provided. Collection method: clinical testing. Allele origin: germline. Not counted in ClinVar's aggregate classification.
Comment: This variant is classified as likely benign based on ACMG/AMP sequence variant interpretation guidelines (Richards et al. 2015 PMID: 25741868, with internal and published modifications).